The following is an entry in ClinVar:

ClinVar aggregate classification (germline): Uncertain significance. Review status: criteria provided, multiple submitters, no conflicts (2 of 4 stars). 2 submissions from 2 submitters: Uncertain significance (2). Last evaluated 2025-09-23.

Conditions:
XYLT2-related disorder. Also called: XYLT2-related condition.

Allele frequency attached by ClinVar (database versions not stated): gnomAD 0.00001; gnomAD exomes 0.00001; TOPMed 0.00001; ExAC 0.00003; ESP Exome Variant Server 0.00008.

Submissions (2):

PreventionGenetics, part of Exact Sciences
Classification: Uncertain significance for XYLT2-related condition. Last evaluated: 2025-09-23. Review status: criteria provided, single submitter. Criteria: ACMG Guidelines, 2015. Collection method: clinical testing. Allele origin: germline.
Comment: The XYLT2 c.1585G>A variant is predicted to result in the amino acid substitution p.Gly529Ser. To our knowledge, this variant has not been reported in the literature. This variant is reported in 0.0035% of alleles in individuals of European (Non-Finnish) descent in gnomAD. At this time, the clinical significance of this variant is uncertain due to the absence of conclusive functional and genetic evidence.

Labcorp Genetics (formerly Invitae), Labcorp
Classification: Uncertain significance. Last evaluated: 2023-11-27. Review status: criteria provided, single submitter. Criteria: Invitae Variant Classification Sherloc (09022015). Collection method: clinical testing. Allele origin: germline.
Comment: This sequence change replaces glycine, which is neutral and non-polar, with serine, which is neutral and polar, at codon 529 of the XYLT2 protein (p.Gly529Ser). This variant is present in population databases (rs373514905, gnomAD 0.003%). This variant has not been reported in the literature in individuals affected with XYLT2-related conditions. Advanced modeling of protein sequence and biophysical properties (such as structural, functional, and spatial information, amino acid conservation, physicochemical variation, residue mobility, and thermodynamic stability) performed at Invitae indicates that this missense variant is not expected to disrupt XYLT2 protein function with a negative predictive value of 80%. In summary, the available evidence is currently insufficient to determine the role of this variant in disease. Therefore, it has been classified as a Variant of Uncertain Significance.

NM_022167.4(XYLT2):c.1585G>A (p.Gly529Ser)

Gene: XYLT2 (xylosyltransferase 2; plus strand). Cytogenetic location: 17q21.33.
Variant type: single nucleotide variant.
Coding change: c.1585G>A on transcript NM_022167.4 (MANE Select); coding-DNA position 1585, G replaced by A.
Protein change: p.Gly529Ser; replaces glycine 529 with serine.
Molecular consequence: missense variant.
Genome position (GRCh38, 1-based): chr17:50,356,613, G>A. VCF-style: chr17-50356613-G-A. GRCh37 (hg19) VCF-style: chr17-48433974-G-A.
Other names: c.1585G>A (NM_022167.3); short protein forms G529S.
Identifiers: ClinVar variation 3019297 (VCV003019297.4), dbSNP rs373514905, ClinGen allele CA8646498.